The following is an entry in ClinVar:

ClinVar aggregate classification (germline): Likely pathogenic. Review status: reviewed by expert panel (3 of 4 stars). 4 submissions from 4 submitters: Likely pathogenic (1). 3 of the submissions do not count toward it. Last evaluated 2024-08-07.

Conditions:
Alpha-actinopathy. Also called: Actinopathy. Identifiers: MedGen CN295279, MONDO:0100084.
Actin accumulation myopathy (CMYO2A). Also called: CONGENITAL MYOPATHY 2A, TYPICAL, AUTOSOMAL DOMINANT; Nemaline myopathy type 3; Myopathy, actin, congenital, with excess of thin myofilaments; Myopathy, actin, congenital, with cores; Nemaline myopathy 3, with intranuclear rods. Identifiers: Orphanet 98904, MedGen C3711389, MONDO:0008070, OMIM 161800.
Progressive scapulohumeroperoneal distal myopathy. Also called: Myopathy, scapulohumeroperoneal. Identifiers: Orphanet 447977, MedGen C4225181, MONDO:0014800, OMIM 616852.
Congenital myopathy with fiber type disproportion. Also called: Congenital fiber-type disproportion myopathy; Congenital fiber-type disproportion. Identifiers: Orphanet 2020, MedGen C0546264, MONDO:0009711. Inheritance: all.

Allele frequency attached by ClinVar (database versions not stated): TOPMed 0.00002.

Submissions (4):

ClinGen Congenital Myopathies Variant Curation Expert Panel, ClinGen
Classification: Likely pathogenic for Alpha-actinopathy. Last evaluated: 2024-08-07. Review status: reviewed by expert panel. Criteria: ClinGen CongenMyopathy ACMG Specifications ACTA1 AR V1.0.0. Collection method: curation. Allele origin: germline. Inheritance: Autosomal recessive inheritance.
Comment: The c.435C>A (p.Tyr145Ter) variant in ACTA1 is a nonsense variant predicted to cause a premature stop codon in biologically-relevant-exon 3/7 is predicted to lead to nonsense mediated decay in a gene in which loss-of-function is an established disease mechanism for autosomal recessive nemaline myopathy (PVS1). The highest population filtering allele frequency in gnomAD v4.1.0 is 0.000002480 (4/1179732 alleles) in the European (non-Finnish) population (PM2_Supporting). In summary, this variant meets the criteria to be classified as likely pathogenic for autosomal recessive alpha-actinopathy based on the ACMG/AMP criteria applied, as specified by the ClinGen Congenital Myopathies VCEP: PVS1, PM2_P. (Congenital Myopathies VCEP specifications version 1; 08/07/2024)

Labcorp Genetics (formerly Invitae), Labcorp
Classification: Pathogenic for Actin accumulation myopathy. Last evaluated: 2022-02-03. Review status: criteria provided, single submitter. Criteria: Invitae Variant Classification Sherloc (09022015). Collection method: clinical testing. Allele origin: germline. Not counted in ClinVar's aggregate classification.
Comment: For these reasons, this variant has been classified as Pathogenic. Algorithms developed to predict the effect of sequence changes on RNA splicing suggest that this variant may create or strengthen a splice site. ClinVar contains an entry for this variant (Variation ID: 280863). This premature translational stop signal has been observed in individual(s) with autosomal recessive ACTA1-related conditions (PMID: 19562689). This variant is present in population databases (rs371410845, gnomAD 0.0009%). This sequence change creates a premature translational stop signal (p.Tyr145*) in the ACTA1 gene. It is expected to result in an absent or disrupted protein product. Loss-of-function variants in ACTA1 are known to be pathogenic (PMID: 19562689).

Greenwood Genetic Center Diagnostic Laboratories, Greenwood Genetic Center
Classification: Likely pathogenic for Progressive scapulohumeroperoneal distal myopathy; Actin accumulation myopathy; Congenital myopathy 4A, autosomal dominant. Last evaluated: 2021-11-05. Review status: criteria provided, single submitter. Criteria: ACMG Guidelines, 2015. Collection method: clinical testing. Allele origin: germline. Affected: yes. Not counted in ClinVar's aggregate classification.
Comment: PVS1, PM2

GeneDx
Classification: Likely pathogenic. Last evaluated: 2019-05-28. Review status: criteria provided, single submitter. Criteria: GeneDx Variant Classification Process June 2021. Collection method: clinical testing. Allele origin: germline. Affected: yes. Not counted in ClinVar's aggregate classification.
Comment: Nonsense variant predicted to result in protein truncation or nonsense mediated decay in a gene for which loss-of-function is a known mechanism of disease; Not observed at a significant frequency in large population cohorts (Lek et al., 2016); Has not been previously published as pathogenic or benign to our knowledge

Literature cited by the submitters: PubMed 19562689 (cited by Labcorp Genetics (formerly Invitae), Labcorp).

NM_001100.4(ACTA1):c.435C>A (p.Tyr145Ter)

Gene: ACTA1 (actin alpha 1, skeletal muscle; minus strand). Cytogenetic location: 1q42.13.
Variant type: single nucleotide variant.
Coding change: c.435C>A on transcript NM_001100.4 (MANE Select); coding-DNA position 435, C replaced by A.
Protein change: p.Tyr145Ter; replaces tyrosine 145 with a stop codon.
Molecular consequence: nonsense.
Genome position (GRCh38, 1-based): chr1:229,432,575, G>T on the plus strand (C>A on the coding strand, the complement: ACTA1 is on the minus strand). VCF-style: chr1-229432575-G-T. GRCh37 (hg19) VCF-style: chr1-229568322-G-T.
Other names: NM_001100.4(ACTA1):c.435C>A; p.Tyr145Ter; short protein forms Y145*.
Identifiers: ClinVar variation 280863 (VCV000280863.12), dbSNP rs371410845, ClinGen allele CA1442883.